The following is an entry in ClinVar:

NM_006766.5(KAT6A):c.2008T>C (p.Ser670Pro)

Gene: KAT6A (lysine acetyltransferase 6A; minus strand). Cytogenetic location: 8p11.21.
Variant type: single nucleotide variant.
Coding change: c.2008T>C on transcript NM_006766.5 (MANE Select); coding-DNA position 2008, T replaced by C.
Protein change: p.Ser670Pro; replaces serine 670 with proline.
Molecular consequence: missense variant.
Genome position (GRCh38, 1-based): chr8:41,943,968, A>G on the plus strand (T>C on the coding strand, the complement: KAT6A is on the minus strand). VCF-style: chr8-41943968-A-G. GRCh37 (hg19) VCF-style: chr8-41801486-A-G.
Other names: c.2008T>C, p.Ser670Pro (NM_001305878.2); short protein forms S670P.
Identifiers: ClinVar variation 1306132 (VCV001306132.2), dbSNP rs2150863577, ClinGen allele CA371073453.

ClinVar aggregate classification (germline): Uncertain significance (1 of 4 stars; one submission).

Submission:

GeneDx
Classification: Uncertain significance. Last evaluated: 2021-06-03. Review status: criteria provided, single submitter. Criteria: GeneDx Variant Classification Process June 2021. Collection method: clinical testing. Allele origin: germline. Affected: yes.
Comment: Not observed at significant frequency in large population cohorts (Lek et al., 2016); In silico analysis supports that this missense variant has a deleterious effect on protein structure/function; Has not been previously published as pathogenic or benign to our knowledge; This variant is associated with the following publications: (PMID: 27535533)